The following is an entry in ClinVar:

ClinVar aggregate classification (germline): Likely benign (1 of 4 stars; one submission).

Allele frequency attached by ClinVar (database versions not stated): gnomAD 0.00001; TOPMed 0.00001; ExAC 0.00001.
gnomAD v4.1: 6 of 1,607,418 alleles (0.00037%); highest among the groups gnomAD compares: African/African-American, 0.0013%; no homozygotes.

Submission:

GeneDx
Classification: Likely benign. Last evaluated: 2018-01-24. Review status: criteria provided, single submitter. Criteria: GeneDx Variant Classification (06012015). Collection method: clinical testing. Allele origin: germline. Affected: yes.
Comment: This variant is considered likely benign or benign based on one or more of the following criteria: it is a conservative change, it occurs at a poorly conserved position in the protein, it is predicted to be benign by multiple in silico algorithms, and/or has population frequency not consistent with disease.

NM_007327.4(GRIN1):c.1467+17G>A

Gene: GRIN1 (glutamate ionotropic receptor NMDA type subunit 1; plus strand). Cytogenetic location: 9q34.3.
Variant type: single nucleotide variant.
Coding change: c.1467+17G>A on transcript NM_007327.4 (MANE Select); 17 bases into the intron after coding-DNA position 1467, G replaced by A.
Molecular consequence: intron variant.
Genome position (GRCh38, 1-based): chr9:137,161,433, G>A. VCF-style: chr9-137161433-G-A. GRCh37 (hg19) VCF-style: chr9-140055885-G-A.
Other names: c.1530+17G>A (NM_001185090.2, NM_001185091.2); c.1467+17G>A (NM_021569.4, NM_000832.7).
Identifiers: ClinVar variation 515006 (VCV000515006.1), dbSNP rs771374825, ClinGen allele CA5360945.